The following is an entry in ClinVar:

NM_014633.5(CTR9):c.2038A>G (p.Ile680Val)

Gene: CTR9 (CTR9 component of Paf1/RNA polymerase II complex; plus strand). Cytogenetic location: 11p15.4.
Variant type: single nucleotide variant.
Coding change: c.2038A>G on transcript NM_014633.5 (MANE Select); coding-DNA position 2038, A replaced by G.
Protein change: p.Ile680Val; replaces isoleucine 680 with valine.
Molecular consequence: missense variant.
Genome position (GRCh38, 1-based): chr11:10,768,420, A>G. VCF-style: chr11-10768420-A-G. GRCh37 (hg19) VCF-style: chr11-10789967-A-G.
Other names: c.2038A>G, p.Ile680Val (NM_001346279.2); short protein forms I680V.
Identifiers: ClinVar variation 2133490 (VCV002133490.4), dbSNP rs2539385008, ClinGen allele CA379674229.

ClinVar aggregate classification (germline): Uncertain significance (1 of 4 stars; one submission).

Allele frequency attached by ClinVar (database versions not stated): gnomAD exomes below 0.00001.
gnomAD v4.1: 1 of 1,614,136 alleles (0.000062%); highest among the groups gnomAD compares: African/African-American, 0.0013%; no homozygotes.

Submission:

Labcorp Genetics (formerly Invitae), Labcorp
Classification: Uncertain significance. Last evaluated: 2024-10-01. Review status: criteria provided, single submitter. Criteria: Invitae Variant Classification Sherloc (09022015). Collection method: clinical testing. Allele origin: germline.
Comment: This sequence change replaces isoleucine, which is neutral and non-polar, with valine, which is neutral and non-polar, at codon 680 of the CTR9 protein (p.Ile680Val). This variant is not present in population databases (gnomAD no frequency). This variant has not been reported in the literature in individuals affected with CTR9-related conditions. ClinVar contains an entry for this variant (Variation ID: 2133490). An algorithm developed to predict the effect of missense changes on protein structure and function (PolyPhen-2) suggests that this variant is likely to be tolerated. In summary, the available evidence is currently insufficient to determine the role of this variant in disease. Therefore, it has been classified as a Variant of Uncertain Significance.